The following is an entry in ClinVar:

NC_000002.11:g.(?_233164730)_(234250992_?)dup

Genes: CHRND (cholinergic receptor nicotinic delta subunit; plus strand), ALPG (alkaline phosphatase, germ cell; plus strand), ALPI (alkaline phosphatase, intestinal; plus strand), ALPP (alkaline phosphatase, placental; plus strand), ATG16L1 (autophagy related 16 like 1; plus strand) and 13 more. Cytogenetic location: 2q37.1.
Variant type: Duplication.
Identifiers: ClinVar variation 1450036 (VCV001450036.5).

ClinVar aggregate classification (germline): Uncertain significance (1 of 4 stars; one submission).

Submission:

Labcorp Genetics (formerly Invitae), Labcorp
Classification: Uncertain significance. Last evaluated: 2022-07-26. Review status: criteria provided, single submitter. Criteria: Invitae Variant Classification Sherloc (09022015). Collection method: clinical testing. Allele origin: germline.
Comment: In summary, the available evidence is currently insufficient to determine the role of this variant in disease. Therefore, it has been classified as a Variant of Uncertain Significance. This variant has not been reported in the literature in individuals affected with SAG-related conditions. This variant results in a copy number gain of the genomic region encompassing exon(s) 1-14 of the SAG gene. This region includes the initiator codon of the gene. This copy number gain extends beyond the assayed region for this gene and therefore may encompass additional genes. As the precise location of this event is unknown, it may be in tandem or it may be located elsewhere in the genome.